The following is an entry in ClinVar:

ClinVar aggregate classification (germline): Uncertain significance. Review status: criteria provided, multiple submitters, no conflicts (2 of 4 stars). 2 submissions from 2 submitters: Uncertain significance (2). Last evaluated 2025-03-05.

Conditions:
Inborn genetic diseases. Identifiers: MedGen C0950123, MeSH D030342.

Allele frequency attached by ClinVar (database versions not stated): ExAC 0.00002; gnomAD 0.00004; TOPMed 0.00005.
gnomAD v4.1: 7 of 1,613,568 alleles (0.00043%); highest among the groups gnomAD compares: African/African-American, 0.0093%; no homozygotes.

Submissions (2):

Ambry Genetics
Classification: Uncertain significance for Inborn genetic diseases. Last evaluated: 2025-03-05. Review status: criteria provided, single submitter. Criteria: Ambry Variant Classification Scheme 2023. Collection method: clinical testing. Allele origin: germline.
Comment: The p.G253S variant (also known as c.757G>A), located in coding exon 7 of the ANKRD26 gene, results from a G to A substitution at nucleotide position 757. The glycine at codon 253 is replaced by serine, an amino acid with similar properties. This amino acid position is conserved. In addition, this alteration is predicted to be tolerated by in silico analysis. Based on the available evidence, the clinical significance of this variant remains unclear.

GeneDx
Classification: Uncertain significance. Last evaluated: 2024-03-04. Review status: criteria provided, single submitter. Criteria: GeneDx Variant Classification Process June 2021. Collection method: clinical testing. Allele origin: germline. Affected: yes.
Comment: Not observed at significant frequency in large population cohorts (gnomAD); In silico analysis supports that this missense variant has a deleterious effect on protein structure/function; Has not been previously published as pathogenic or benign to our knowledge

NM_014915.3(ANKRD26):c.757G>A (p.Gly253Ser)

Gene: ANKRD26 (ankyrin repeat domain containing 26; minus strand). Cytogenetic location: 10p12.1.
Variant type: single nucleotide variant.
Coding change: c.757G>A on transcript NM_014915.3 (MANE Select); coding-DNA position 757, G replaced by A.
Protein change: p.Gly253Ser; replaces glycine 253 with serine.
Molecular consequence: missense variant.
Genome position (GRCh38, 1-based): chr10:27,079,145, C>T on the plus strand (G>A on the coding strand, the complement: ANKRD26 is on the minus strand). VCF-style: chr10-27079145-C-T. GRCh37 (hg19) VCF-style: chr10-27368074-C-T.
Other names: c.757G>A, p.Gly253Ser (NM_001256053.2); short protein forms G253S.
Identifiers: ClinVar variation 2397758 (VCV002397758.4), dbSNP rs746113236, ClinGen allele CA5448794.